The following is an entry in ClinVar:

ClinVar aggregate classification (germline): Likely benign. Review status: criteria provided, multiple submitters, no conflicts (2 of 4 stars). 2 submissions from 2 submitters: Likely benign (2). Last evaluated 2025-09-20.

Conditions:
Familial cancer of breast. Also called: BREAST CANCER, FAMILIAL; Hereditary breast cancer; hereditary breast carcinoma. Identifiers: Orphanet 227535, MedGen C0346153, MONDO:0016419, OMIM 114480. Disease mechanism: loss of function.
Ataxia-telangiectasia syndrome (AT). Also called: LOUIS-BAR SYNDROME; Cerebello-oculocutaneous telangiectasia; Immunodeficiency with ataxia telangiectasia; Ataxia telangiectasia (A-T); Ataxia-telangiectasia, complementation group D; AT, COMPLEMENTATION GROUP C. Identifiers: Orphanet 100, MedGen C0004135, MONDO:0008840, OMIM 208900.

Submissions (2):

Labcorp Genetics (formerly Invitae), Labcorp
Classification: Likely benign for Ataxia-telangiectasia syndrome. Last evaluated: 2025-09-20. Review status: criteria provided, single submitter. Criteria: Invitae Variant Classification Sherloc (09022015). Collection method: clinical testing. Allele origin: germline.

Myriad Genetics, Inc.
Classification: Likely benign for Familial cancer of breast. Last evaluated: 2024-06-20. Review status: criteria provided, single submitter. Criteria: Myriad Autosomal Dominant, Autosomal Recessive and X-Linked Classification Criteria (2023). Collection method: clinical testing. Allele origin: unknown.
Comment: This variant is considered likely benign. This variant is intronic and is not expected to impact mRNA splicing.

NM_000051.4(ATM):c.8585-6C>T

Genes: ATM (ATM serine/threonine kinase; plus strand), C11orf65 (chromosome 11 open reading frame 65; minus strand). Cytogenetic location: 11q22.3.
Variant type: single nucleotide variant.
Coding change: c.8585-6C>T on transcript NM_000051.4 (MANE Select); 6 bases into the intron before coding-DNA position 8585, C replaced by T.
Molecular consequence: intron variant.
Genome position (GRCh38, 1-based): chr11:108,347,273, C>T. VCF-style: chr11-108347273-C-T. GRCh37 (hg19) VCF-style: chr11-108218000-C-T.
Other names: c.8585-6C>T (NM_001351834.2); c.641-38202G>A (NM_001330368.2); c.695-11981G>A (NM_001351110.2).
Identifiers: ClinVar variation 1558570 (VCV001558570.9), dbSNP rs2137077591, ClinGen allele CA2563859204.